The following is an entry in ClinVar:

ClinVar aggregate classification (germline): Pathogenic/Likely pathogenic. Review status: criteria provided, multiple submitters, no conflicts (2 of 4 stars). 2 submissions from 2 submitters: Pathogenic (1); Likely pathogenic (1). Last evaluated 2025-10-14.

Conditions:
Severe combined immunodeficiency disease. Also called: Severe Combined Immune Deficiency; Severe combined immunodeficiency. Identifiers: Orphanet 183660, MedGen C0085110, MeSH D016511, MONDO:0015974, HP:0004430. Inheritance: X-Linked or Autosomal recessive.
Immunodeficiency 18 (IMD18). Also called: CD3-EPSILON DEFICIENCY; CD3epsilon deficiency. Identifiers: MedGen C3810127, MONDO:0014278, OMIM 615615.

Allele frequency attached by ClinVar (database versions not stated): gnomAD exomes below 0.00001.
gnomAD v4.1: 1 of 1,614,234 alleles (0.000062%); highest among the groups gnomAD compares: Admixed American, 0.0017%; no homozygotes.

Submissions (2):

Labcorp Genetics (formerly Invitae), Labcorp
Classification: Pathogenic for Immunodeficiency 18. Last evaluated: 2025-10-14. Review status: criteria provided, single submitter. Criteria: Invitae Variant Classification Sherloc (09022015). Collection method: clinical testing. Allele origin: germline.
Comment: This sequence change creates a premature translational stop signal (p.Tyr96*) in the CD3E gene. It is expected to result in an absent or disrupted protein product. Loss-of-function variants in CD3E are known to be pathogenic (PMID: 8490660, 15546002). This variant is not present in population databases (gnomAD no frequency). This premature translational stop signal has been observed in individual(s) with severe combined immunodeficiency (PMID: 33628209). ClinVar contains an entry for this variant (Variation ID: 2445836). Algorithms developed to predict the effect of sequence changes on RNA splicing suggest that this variant may disrupt the consensus splice site. For these reasons, this variant has been classified as Pathogenic.

Women's Health and Genetics/Laboratory Corporation of America, LabCorp
Classification: Likely pathogenic for Severe combined immunodeficiency disease. Last evaluated: 2023-02-14. Review status: criteria provided, single submitter. Criteria: LabCorp Variant Classification Summary - May 2015. Collection method: clinical testing. Allele origin: germline.
Comment: Variant summary: CD3E c.288T>A (p.Tyr96X) results in a premature termination codon, predicted to cause a truncation of the encoded protein or absence of the protein due to nonsense mediated decay, which are commonly known mechanisms for disease. The variant was absent in 251344 control chromosomes (gnomAD). c.288T>A has been reported in the literature in one homozygous individual affected with Severe Combined Immunodeficiency (Vignesh_2020). These data indicate that the variant is likely associated with disease. To our knowledge, no experimental evidence demonstrating an impact on protein function has been reported. No clinical diagnostic laboratories have submitted clinical-significance assessments for this variant to ClinVar after 2014. Based on the evidence outlined above, the variant was classified as likely pathogenic.

Literature cited by the submitters: PubMed 8490660 (cited by Labcorp Genetics (formerly Invitae), Labcorp); PubMed 15546002 (cited by Labcorp Genetics (formerly Invitae), Labcorp); PubMed 33628209 (cited by Labcorp Genetics (formerly Invitae), Labcorp and Women's Health and Genetics/Laboratory Corporation of America, LabCorp).

NM_000733.4(CD3E):c.288T>A (p.Tyr96Ter)

Gene: CD3E (CD3 epsilon subunit of T-cell receptor complex; plus strand). Cytogenetic location: 11q23.3.
Variant type: single nucleotide variant.
Coding change: c.288T>A on transcript NM_000733.4 (MANE Select); coding-DNA position 288, T replaced by A.
Protein change: p.Tyr96Ter; replaces tyrosine 96 with a stop codon.
Molecular consequence: nonsense.
Genome position (GRCh38, 1-based): chr11:118,312,802, T>A. VCF-style: chr11-118312802-T-A. GRCh37 (hg19) VCF-style: chr11-118183517-T-A.
Other names: short protein forms Y96*.
Identifiers: ClinVar variation 2445836 (VCV002445836.4), dbSNP rs1419311230, ClinGen allele CA382782740.